The following is an entry in ClinVar:

ClinVar aggregate classification (germline): Likely benign (0 of 4 stars; one submission).

Conditions:
DPP6-related disorder. Also called: DPP6-related condition.

Allele frequency attached by ClinVar (database versions not stated): gnomAD 0.00003; gnomAD exomes 0.00004; ExAC 0.00013.
gnomAD v4.1: 54 of 1,532,628 alleles (0.0035%); highest among the groups gnomAD compares: South Asian, 0.066%; no homozygotes.

Submission:

PreventionGenetics, part of Exact Sciences
Classification: Likely benign for DPP6-related condition. Last evaluated: 2021-11-22. Review status: no assertion criteria provided. Collection method: clinical testing. Allele origin: germline.
Comment: This variant is classified as likely benign based on ACMG/AMP sequence variant interpretation guidelines (Richards et al. 2015 PMID: 25741868, with internal and published modifications).

NM_130797.4(DPP6):c.2378-7T>G

Gene: DPP6 (dipeptidyl peptidase like 6; plus strand). Cytogenetic location: 7q36.2.
Variant type: single nucleotide variant.
Coding change: c.2378-7T>G on transcript NM_130797.4 (MANE Select); 7 bases into the intron before coding-DNA position 2378, T replaced by G.
Molecular consequence: intron variant.
Genome position (GRCh38, 1-based): chr7:154,889,450, T>G. VCF-style: chr7-154889450-T-G. GRCh37 (hg19) VCF-style: chr7-154681160-T-G.
Other names: c.2195-7T>G (NM_001364500.2, NM_001364499.2, NM_001364497.2 and 1 more transcripts); c.2186-7T>G (NM_001039350.3); c.2192-7T>G (NM_001936.5); c.2057-7T>G (NM_001290252.2).
Identifiers: ClinVar variation 3050949 (VCV003050949.2), dbSNP rs879069587, ClinGen allele CA4583947.
Genomic context (GRCh38, chr7:154,889,450, plus strand): 5'-CCTCCTTGATGGCACCATGGGTTTTAACAAATGTCTTCCTCTCTTTTTTTTTTTTTTTTT[T>G]GCACAGAAAAAATTCATTTCCAGCACACAGCAGAACTCATTACACAACTAATTAGGGGAA-3'